The following is an entry in ClinVar:

ClinVar aggregate classification (germline): Uncertain significance. Review status: criteria provided, multiple submitters, no conflicts (2 of 4 stars). 2 submissions from 2 submitters: Uncertain significance (2). Last evaluated 2026-01-14.

Conditions:
Hereditary diffuse gastric adenocarcinoma (HDGC). Also called: DIFFUSE GASTRIC AND LOBULAR BREAST CANCER SYNDROME. Identifiers: Orphanet 26106, MedGen C1708349, MONDO:0007648, OMIM 137215.
Hereditary cancer-predisposing syndrome. Also called: Tumor predisposition; Neoplastic Syndromes, Hereditary; Hereditary Cancer Syndrome; Hereditary neoplastic syndrome. Identifiers: Orphanet 140162, MedGen C0027672, MeSH D009386, MONDO:0015356.

Submissions (2):

Ambry Genetics
Classification: Uncertain significance for Hereditary cancer-predisposing syndrome. Last evaluated: 2026-01-14. Review status: criteria provided, single submitter. Criteria: Ambry Variant Classification Scheme 2023. Collection method: clinical testing. Allele origin: germline.
Comment: The p.G49D variant (also known as c.146G>A), located in coding exon 2 of the CDH1 gene, results from a G to A substitution at nucleotide position 146. The glycine at codon 49 is replaced by aspartic acid, an amino acid with similar properties. This amino acid position is conserved. In addition, this alteration is predicted to be tolerated by in silico analysis. Based on the available evidence, the clinical significance of this variant remains unclear.

Labcorp Genetics (formerly Invitae), Labcorp
Classification: Uncertain significance for Hereditary diffuse gastric adenocarcinoma. Last evaluated: 2023-01-02. Review status: criteria provided, single submitter. Criteria: Invitae Variant Classification Sherloc (09022015). Collection method: clinical testing. Allele origin: germline.
Comment: This sequence change replaces glycine, which is neutral and non-polar, with aspartic acid, which is acidic and polar, at codon 49 of the CDH1 protein (p.Gly49Asp). In summary, the available evidence is currently insufficient to determine the role of this variant in disease. Therefore, it has been classified as a Variant of Uncertain Significance. Algorithms developed to predict the effect of missense changes on protein structure and function (SIFT, PolyPhen-2, Align-GVGD) all suggest that this variant is likely to be tolerated. This variant has not been reported in the literature in individuals affected with CDH1-related conditions. This variant is not present in population databases (gnomAD no frequency).

NM_004360.5(CDH1):c.146G>A (p.Gly49Asp)

Gene: CDH1 (cadherin 1; plus strand). Cytogenetic location: 16q22.1.
Variant type: single nucleotide variant.
Coding change: c.146G>A on transcript NM_004360.5 (MANE Select); coding-DNA position 146, G replaced by A.
Protein change: p.Gly49Asp; replaces glycine 49 with aspartic acid.
Molecular consequence: missense variant. On other transcripts: 5 prime UTR variant (2).
Genome position (GRCh38, 1-based): chr16:68,738,394, G>A. VCF-style: chr16-68738394-G-A. GRCh37 (hg19) VCF-style: chr16-68772297-G-A.
Other names: c.146G>A, p.Gly49Asp (NM_001317184.2); c.-1470G>A (NM_001317185.2); c.-1674G>A (NM_001317186.2); short protein forms G49D.
Identifiers: ClinVar variation 2825989 (VCV002825989.4), dbSNP rs2543817232, ClinGen allele CA396452269.
Genomic context (GRCh38, chr16:68,738,394, plus strand): 5'-ACCCTGGCTTTGACGCCGAGAGCTACACGTTCACGGTGCCCCGGCGCCACCTGGAGAGAG[G>A]CCGCGTCCTGGGCAGAGGTGAGGGCGCGCTGCCGGTGTCCCTGGGCGGAGTAGGGAGGGG-3'
Protein context (NP_004351.1, residues 39-59): FTVPRRHLER[Gly49Asp]RVLGRVNFED